The following is an entry in ClinVar:

ClinVar aggregate classification (germline): Conflicting classifications of pathogenicity. Review status: criteria provided, conflicting classifications (1 of 4 stars). 2 submissions from 2 submitters: Likely pathogenic (1); Uncertain significance (1). Last evaluated 2024-10-14.

Conditions:
Bardet-Biedl syndrome (BBS). Identifiers: Orphanet 110, MedGen C0752166, MONDO:0015229.
Bardet-Biedl syndrome 12 (BBS12). Identifiers: Orphanet 110, MedGen C1859570, MONDO:0014440, OMIM 615989.

gnomAD v4.1: 15 of 1,613,768 alleles (0.00093%); highest among the groups gnomAD compares: Non-Finnish European, 0.0013%; no homozygotes.

Submissions (2):

Labcorp Genetics (formerly Invitae), Labcorp
Classification: Likely pathogenic for Bardet-Biedl syndrome. Last evaluated: 2024-10-14. Review status: criteria provided, single submitter. Criteria: Invitae Variant Classification Sherloc (09022015). Collection method: clinical testing. Allele origin: germline.
Comment: This sequence change replaces glycine, which is neutral and non-polar, with aspartic acid, which is acidic and polar, at codon 119 of the BBS12 protein (p.Gly119Asp). This variant is not present in population databases (gnomAD no frequency). This missense change has been observed in individual(s) with BBS12-related conditions (internal data). In at least one individual the data is consistent with being in trans (on the opposite chromosome) from a pathogenic variant. ClinVar contains an entry for this variant (Variation ID: 1373840). Invitae Evidence Modeling of protein sequence and biophysical properties (such as structural, functional, and spatial information, amino acid conservation, physicochemical variation, residue mobility, and thermodynamic stability) indicates that this missense variant is expected to disrupt BBS12 protein function with a positive predictive value of 80%. In summary, the currently available evidence indicates that the variant is pathogenic, but additional data are needed to prove that conclusively. Therefore, this variant has been classified as Likely Pathogenic.

Fulgent Genetics
Classification: Uncertain significance for Bardet-Biedl syndrome 12. Last evaluated: 2021-10-29. Review status: criteria provided, single submitter. Criteria: ACMG Guidelines, 2015. Collection method: clinical testing. Allele origin: unknown.

NM_152618.3(BBS12):c.356G>A (p.Gly119Asp)

Gene: BBS12 (Bardet-Biedl syndrome 12; plus strand). Cytogenetic location: 4q27.
Variant type: single nucleotide variant.
Coding change: c.356G>A on transcript NM_152618.3 (MANE Select); coding-DNA position 356, G replaced by A.
Protein change: p.Gly119Asp; replaces glycine 119 with aspartic acid.
Molecular consequence: missense variant.
Genome position (GRCh38, 1-based): chr4:122,742,248, G>A. VCF-style: chr4-122742248-G-A. GRCh37 (hg19) VCF-style: chr4-123663403-G-A.
Other names: c.356G>A, p.Gly119Asp (NM_001178007.2); short protein forms G119D.
Identifiers: ClinVar variation 1373840 (VCV001373840.7), dbSNP rs2150736114, ClinGen allele CA358222743.